The following is an entry in ClinVar:

NM_080680.3(COL11A2):c.4714C>G (p.Gln1572Glu)

Gene: COL11A2 (collagen type XI alpha 2 chain; minus strand). Cytogenetic location: 6p21.32.
Variant type: single nucleotide variant.
Coding change: c.4714C>G on transcript NM_080680.3 (MANE Select); coding-DNA position 4714, C replaced by G.
Protein change: p.Gln1572Glu; replaces glutamine 1572 with glutamic acid.
Molecular consequence: missense variant.
Genome position (GRCh38, 1-based): chr6:33,165,585, G>C on the plus strand (C>G on the coding strand, the complement: COL11A2 is on the minus strand). VCF-style: chr6-33165585-G-C. GRCh37 (hg19) VCF-style: chr6-33133362-G-C.
Other names: c.4534C>G, p.Gln1512Glu (NM_001424108.1); c.3868C>G, p.Gln1290Glu (NM_001424109.1); c.3688C>G, p.Gln1230Glu (NM_001424110.1, NM_001424111.1); c.2668C>G, p.Gln890Glu (NM_001424112.1); c.4393C>G, p.Gln1465Glu (NM_080679.3); c.4456C>G, p.Gln1486Glu (NM_080681.3); short protein forms Q1230E, Q1290E, Q1465E, Q1486E, Q1512E, Q1572E, Q890E.
Identifiers: ClinVar variation 3368015 (VCV003368015.1).

ClinVar aggregate classification (germline): Uncertain significance (1 of 4 stars; one submission).

Submission:

GeneDx
Classification: Uncertain significance. Last evaluated: 2024-01-18. Review status: criteria provided, single submitter. Criteria: GeneDx Variant Classification Process June 2021. Collection method: clinical testing. Allele origin: germline. Affected: yes.
Comment: Not observed at significant frequency in large population cohorts (gnomAD); In silico analysis supports that this missense variant does not alter protein structure/function; Has not been previously published as pathogenic or benign to our knowledge